The following is an entry in ClinVar:

ClinVar aggregate classification (germline): Likely benign (1 of 4 stars; one submission).

Allele frequency attached by ClinVar (database versions not stated): ExAC 0.00001; gnomAD 0.00001; gnomAD exomes 0.00001; TOPMed 0.00002.
gnomAD v4.1: 11 of 1,608,936 alleles (0.00068%); highest among the groups gnomAD compares: Non-Finnish European, 0.00094%; no homozygotes.

Submission:

Center for Genomic Medicine, Rigshospitalet, Copenhagen University Hospital
Classification: Likely benign. Last evaluated: 2025-03-04. Review status: criteria provided, single submitter. Criteria: ACMG Guidelines, 2015. Collection method: clinical testing. Allele origin: germline.
Comment: Classification criteria: BP4

NM_002878.4(RAD51D):c.667+48C>T

Genes: RAD51D (RAD51 paralog D; minus strand), RAD51L3-RFFL (RAD51L3-RFFL readthrough; minus strand). Cytogenetic location: 17q12.
Variant type: single nucleotide variant.
Coding change: c.667+48C>T on transcript NM_002878.4 (MANE Select); 48 bases into the intron after coding-DNA position 667, C replaced by T.
Molecular consequence: intron variant.
Genome position (GRCh38, 1-based): chr17:35,103,406, G>A on the plus strand (C>T on the coding strand, the complement: RAD51D is on the minus strand). VCF-style: chr17-35103406-G-A. GRCh37 (hg19) VCF-style: chr17-33430425-G-A.
Other names: c.331+48C>T (NM_133629.3); c.727+48C>T (NM_001142571.2).
Identifiers: ClinVar variation 1697593 (VCV001697593.7), dbSNP rs751115328, ClinGen allele CA8499385.